The following is an entry in ClinVar:

NM_006947.4(SRP72):c.1623T>G (p.Ser541Arg)

Gene: SRP72 (signal recognition particle 72; plus strand). Cytogenetic location: 4q12.
Variant type: single nucleotide variant.
Coding change: c.1623T>G on transcript NM_006947.4 (MANE Select); coding-DNA position 1623, T replaced by G.
Protein change: p.Ser541Arg; replaces serine 541 with arginine.
Molecular consequence: missense variant. On other transcripts: non-coding transcript variant (1).
Genome position (GRCh38, 1-based): chr4:56,491,551, T>G. VCF-style: chr4-56491551-T-G. GRCh37 (hg19) VCF-style: chr4-57357717-T-G.
Other names: c.1440T>G, p.Ser480Arg (NM_001267722.2); short protein forms S541R, S480R.
Identifiers: ClinVar variation 3962045 (VCV003962045.1).
Genomic context (GRCh38, chr4:56,491,551, plus strand): 5'-TGAAAATTCTGCTGGTGCTACATACATTCGGAAGAAGGGTGGAAAAGTTACTGGAGATAG[T>G]CAACCAAAGGAACAAGGGTAATATTTTTCATTGTAACGTTCTCTAATGCTGATTTTAAAT-3'
Protein context (NP_008878.3, residues 531-551): RKKGGKVTGD[Ser541Arg]QPKEQGQGDL

ClinVar aggregate classification (germline): Uncertain significance (1 of 4 stars; one submission).

gnomAD v4.1: 4 of 1,613,822 alleles (0.00025%); highest among the groups gnomAD compares: Non-Finnish European, 0.00034%; no homozygotes.

Submission:

Ambry Genetics
Classification: Uncertain significance. Last evaluated: 2025-03-30. Review status: criteria provided, single submitter. Criteria: Ambry Variant Classification Scheme 2023. Collection method: clinical testing. Allele origin: germline.
Comment: The p.S541R variant (also known as c.1623T>G), located in coding exon 16 of the SRP72 gene, results from a T to G substitution at nucleotide position 1623. The serine at codon 541 is replaced by arginine, an amino acid with dissimilar properties. This amino acid position is conserved. In addition, this alteration is predicted to be tolerated by in silico analysis. Based on the available evidence, the clinical significance of this variant remains unclear.